The following is an entry in ClinVar:

ClinVar aggregate classification (germline): Likely pathogenic (3 of 4 stars; one submission).

Conditions:
Phenylketonuria (PKU). Also called: Phenylketonurias; OLIGOPHRENIA PHENYLPYRUVICA; FOLLING DISEASE; Phenylketonuria (PKU). Identifiers: Orphanet 716, MedGen C0031485, MONDO:0009861, OMIM 261600. Disease mechanism: loss of function.

Submission:

ClinGen PAH Variant Curation Expert Panel
Classification: Likely pathogenic for Phenylketonuria. Last evaluated: 2022-12-09. Review status: reviewed by expert panel. Criteria: ClinGen PAH ACMG Specifications v1. Collection method: curation. Allele origin: germline. Inheritance: Autosomal recessive inheritance.
Comment: This variant c.1316-1G>C in PAH was detected in a patient with classic PKU with the pathogenic variant p.Arg243Gln (PMID: 28982351). This variant was absent in population databases. This is a canonical variant in the -1 splice acceptor of intron 12; this would alter a region that is critical to protein function with nonsense mediated decay not predicted. In summary, this variant meets criteria to be classified as likely pathogenic for PAH. PAH-specific ACMG/AMP criteria applied: PVS1_Strong, PM2, PM3, PP4.

NM_000277.3(PAH):c.1316-1G>C

Gene: PAH (phenylalanine hydroxylase; minus strand). Cytogenetic location: 12q23.2.
Variant type: single nucleotide variant.
Coding change: c.1316-1G>C on transcript NM_000277.3 (MANE Select); the canonical splice acceptor site of the intron before coding-DNA position 1316, G replaced by C.
Molecular consequence: splice acceptor variant.
Genome position (GRCh38, 1-based): chr12:102,839,219, C>G on the plus strand (G>C on the coding strand, the complement: PAH is on the minus strand). VCF-style: chr12-102839219-C-G. GRCh37 (hg19) VCF-style: chr12-103232997-C-G.
Other names: NM_001354304.2:c.1316-1G>C; c.1316-1G>C (NM_001354304.2).
Identifiers: ClinVar variation 1810392 (VCV001810392.1), dbSNP rs1592944816, ClinGen allele CA386492906.